The following is an entry in ClinVar:

NM_000180.4(GUCY2D):c.40C>A (p.Pro14Thr)

Gene: GUCY2D (guanylate cyclase 2D, retinal; plus strand). Cytogenetic location: 17p13.1.
Variant type: single nucleotide variant.
Coding change: c.40C>A on transcript NM_000180.4 (MANE Select); coding-DNA position 40, C replaced by A.
Protein change: p.Pro14Thr; replaces proline 14 with threonine.
Molecular consequence: missense variant.
Genome position (GRCh38, 1-based): chr17:8,003,087, C>A. VCF-style: chr17-8003087-C-A. GRCh37 (hg19) VCF-style: chr17-7906405-C-A.
Other names: short protein forms P14T.
Identifiers: ClinVar variation 2948560 (VCV002948560.3), dbSNP rs1975658549, ClinGen allele CA397942418.
Genomic context (GRCh38, chr17:8,003,087, plus strand): 5'-CTGTGTTCGCAGAAGCCGGCAATGACCGCCTGCGCCCGCCGAGCGGGTGGGCTTCCGGAC[C>A]CCGGGCTCTGCGGTCCCGCGTGGTGGGCTCCGTCCCTGCCCCGCCTCCCCCGGGCCCTGC-3'
Protein context (NP_000171.1, residues 4-24): CARRAGGLPD[Pro14Thr]GLCGPAWWAP

ClinVar aggregate classification (germline): Uncertain significance (1 of 4 stars; one submission).

Conditions:
Cone-rod dystrophy 6 (CORD6). Also called: Cone dystrophy progressive; RETINAL CONE DYSTROPHY 2. Identifiers: Orphanet 1872, MedGen C1866293, MONDO:0011143, OMIM 601777.
Leber congenital amaurosis 1 (LCA1). Also called: Congenital absence of the rods and cones; Leber's congenital tapetoretinal degeneration; Leber's congenital tapetoretinal dysplasia; AMAUROSIS CONGENITA OF LEBER I; RETINAL BLINDNESS, CONGENITAL. Identifiers: Orphanet 65, MedGen C2931258, MONDO:0008764, OMIM 204000.

Submission:

Labcorp Genetics (formerly Invitae), Labcorp
Classification: Uncertain significance for Leber congenital amaurosis 1; Cone-rod dystrophy 6. Last evaluated: 2023-06-04. Review status: criteria provided, single submitter. Criteria: Invitae Variant Classification Sherloc (09022015). Collection method: clinical testing. Allele origin: germline.
Comment: In summary, the available evidence is currently insufficient to determine the role of this variant in disease. Therefore, it has been classified as a Variant of Uncertain Significance. Advanced modeling of protein sequence and biophysical properties (such as structural, functional, and spatial information, amino acid conservation, physicochemical variation, residue mobility, and thermodynamic stability) performed at Invitae indicates that this missense variant is not expected to disrupt GUCY2D protein function. This variant has not been reported in the literature in individuals affected with GUCY2D-related conditions. This variant is not present in population databases (gnomAD no frequency). This sequence change replaces proline, which is neutral and non-polar, with threonine, which is neutral and polar, at codon 14 of the GUCY2D protein (p.Pro14Thr).